The following is an entry in ClinVar:

ClinVar aggregate classification (germline): Uncertain significance (1 of 4 stars; one submission).

Conditions:
Polycystic kidney disease, adult type (PKD1). Also called: POLYCYSTIC KIDNEY DISEASE 1 WITH OR WITHOUT POLYCYSTIC LIVER DISEASE; POLYCYSTIC KIDNEY DISEASE, ADULT, TYPE I; Polycystic Kidney, Autosomal Dominant; Polycystic Kidney Disease 1, Autosomal Dominant; Polycystic kidney disease 1; Polycystic kidney disease 1, severe. Identifiers: MedGen C3149841, MONDO:0008263, OMIM 173900.

Submission:

Johns Hopkins Genomics, Johns Hopkins University
Classification: Uncertain significance for Polycystic kidney disease, adult type. Last evaluated: 2024-12-30. Review status: criteria provided, single submitter. Criteria: ACMG Guidelines, 2015. Collection method: clinical testing. Allele origin: germline.
Comment: This PLP1 variant is absent from a large population dataset and has not been reported in ClinVar nor the literature, to our knowledge. This frameshift variant (p.Gly119fs) in exon 3 of 7 results in a premature termination codon (PTC) likely leading to nonsense-mediated decay and lack of protein production. Due to insufficient evidence that this variant is deleterious in carrier females, we consider the clinical significance of c.354dup to be uncertain at this time.

Literature cited by the submitters: PubMed 20301361; PubMed 29620084; PubMed 31004103; PubMed 31137068; PubMed 35359527.

NM_000533.5(PLP1):c.354dup (p.Gly119fs)

Genes: PLP1 (proteolipid protein 1; plus strand), RAB9B (RAB9B, member RAS oncogene family; minus strand). Cytogenetic location: Xq22.2.
Variant type: Duplication.
Coding change: c.354dup on transcript NM_000533.5 (MANE Select); coding-DNA position 354, one base duplicated (A; older notation c.354dupA).
Protein change: p.Gly119fs; shifts the reading frame from glycine 119.
Molecular consequence: frameshift variant. On other transcripts: intron variant (1).
Genome position (GRCh38, 1-based): chrX:103,786,627, A duplicated. VCF-style (leftmost placement, unchanged base first): chrX-103786626-C-CA. GRCh37 (hg19) VCF-style: chrX-103041555-C-CA.
Other names: c.354dup, p.Gly119fs (NM_001128834.3); c.189dup, p.Gly64fs (NM_001305004.1); c.348+6dup (NM_199478.3); short protein forms G119fs, G64fs.
Identifiers: ClinVar variation 4280119 (VCV004280119.1).